The following is an entry in ClinVar:

ClinVar aggregate classification (germline): Uncertain significance (1 of 4 stars; one submission).

Conditions:
Autoinflammatory syndrome with immunodeficiency. Also called: AUTOINFLAMMATORY SYNDROME, FAMILIAL, WITH OR WITHOUT IMMUNODEFICIENCY. Identifiers: MedGen C5543547, MONDO:0800130, OMIM 619375.

Submission:

Juno Genomics, Hangzhou Juno Genomics, Inc
Classification: Uncertain significance for Autoinflammatory syndrome with immunodeficiency. Review status: criteria provided, single submitter. Criteria: ACMG Guidelines, 2015. Collection method: clinical testing. Allele origin: germline.
Comment: Absent from controls (or at extremely low frequency if recessive) in Genome Aggregation Database.;Protein length changes due to in-frame deletions/insertions in a non-repeat region or stop-loss variants.

NM_003745.2(SOCS1):c.138GGCCCC[3] (p.Pro50_Gly51insAlaPro)

Gene: SOCS1 (suppressor of cytokine signaling 1; minus strand). Cytogenetic location: 16p13.13.
Variant type: Microsatellite.
Coding change: c.138GGCCCC[3] on transcript NM_003745.2 (MANE Select); three copies in a row of the 6-base unit GGCCCC starting at c.138; the reference has two copies in a row; one copy, 6 bases duplicated; also written c.144_149dup.
Protein change: p.Pro50_Gly51insAlaPro.
Molecular consequence: inframe insertion.
Genome position (GRCh38, 1-based): chr16:11,255,330-11,255,335, GGGGCC duplicated on the plus strand (GGCCCC on the coding strand, the reverse complement: SOCS1 is on the minus strand); duplicating any 6 consecutive bases within chr16:11,255,330-11,255,344 gives the same sequence; the position shown is the placement nearest the transcript's 3' end. VCF-style (leftmost placement, unchanged base first): chr16-11255329-G-GGGGGCC. GRCh37 (hg19) VCF-style: chr16-11349186-G-GGGGGCC.
Other names: c.144_149dup (NM_003745.2).
Identifiers: ClinVar variation 5005502 (VCV005005502.2).